The following is an entry in ClinVar:

ClinVar aggregate classification (germline): Uncertain significance. Review status: criteria provided, multiple submitters, no conflicts (2 of 4 stars). 4 submissions from 4 submitters: Uncertain significance (3). 1 of the submissions does not count toward it. Last evaluated 2025-04-20.

Conditions:
Usher syndrome type 1B (USH1B). Also called: Usher syndrome type IB. Identifiers: MedGen C1848638, MONDO:0700087.
Inborn genetic diseases. Identifiers: MedGen C0950123, MeSH D030342.
Usher syndrome type 1 (USH1). Also called: RETINITIS PIGMENTOSA AND CONGENITAL DEAFNESS. Identifiers: Orphanet 231169, Orphanet 886, MedGen C1568247, MONDO:0010168, OMIM 276900.

Allele frequency attached by ClinVar (database versions not stated): gnomAD 0.00001; gnomAD exomes 0.00001; ExAC 0.00002; 1000 Genomes Project 30x 0.00016; 1000 Genomes Project 0.00020.
gnomAD v4.1: 7 of 1,600,236 alleles (0.00044%); highest among the groups gnomAD compares: East Asian, 0.0022%; no homozygotes.

Submissions (4):

Ambry Genetics
Classification: Uncertain significance for Inborn genetic diseases. Last evaluated: 2025-04-20. Review status: criteria provided, single submitter. Criteria: Ambry Variant Classification Scheme 2023. Collection method: clinical testing. Allele origin: germline.

Labcorp Genetics (formerly Invitae), Labcorp
Classification: Uncertain significance. Last evaluated: 2025-03-31. Review status: criteria provided, single submitter. Criteria: Invitae Variant Classification Sherloc (09022015). Collection method: clinical testing. Allele origin: germline.
Comment: This sequence change replaces arginine, which is basic and polar, with tryptophan, which is neutral and slightly polar, at codon 1164 of the MYO7A protein (p.Arg1164Trp). The frequency data for this variant in the population databases is considered unreliable, as metrics indicate poor data quality at this position in the gnomAD database. This missense change has been observed in individual(s) with clinical features of Usher syndrome (internal data). ClinVar contains an entry for this variant (Variation ID: 949023). Invitae Evidence Modeling of protein sequence and biophysical properties (such as structural, functional, and spatial information, amino acid conservation, physicochemical variation, residue mobility, and thermodynamic stability) indicates that this missense variant is expected to disrupt MYO7A protein function with a positive predictive value of 95%. In summary, the available evidence is currently insufficient to determine the role of this variant in disease. Therefore, it has been classified as a Variant of Uncertain Significance.

Genomic Medicine Center of Excellence, King Faisal Specialist Hospital and Research Centre
Classification: Uncertain significance for Usher syndrome type 1. Last evaluated: 2024-04-04. Review status: criteria provided, single submitter. Criteria: ACMG Guidelines, 2015. Collection method: clinical testing. Allele origin: germline.

Natera, Inc.
Classification: Uncertain significance for Usher syndrome type 1B. Last evaluated: 2020-10-28. Review status: no assertion criteria provided. Collection method: clinical testing. Allele origin: germline. Not counted in ClinVar's aggregate classification.

NM_000260.4(MYO7A):c.3490C>T (p.Arg1164Trp)

Gene: MYO7A (myosin VIIA; plus strand). Cytogenetic location: 11q13.5.
Variant type: single nucleotide variant.
Coding change: c.3490C>T on transcript NM_000260.4 (MANE Select); coding-DNA position 3490, C replaced by T.
Protein change: p.Arg1164Trp; replaces arginine 1164 with tryptophan.
Molecular consequence: missense variant.
Genome position (GRCh38, 1-based): chr11:77,184,702, C>T. VCF-style: chr11-77184702-C-T. GRCh37 (hg19) VCF-style: chr11-76895747-C-T.
Other names: c.3490C>T, p.Arg1164Trp (NM_001127180.2); c.3457C>T, p.Arg1153Trp (NM_001369365.1); short protein forms R1153W, R1164W.
Identifiers: ClinVar variation 949023 (VCV000949023.10), dbSNP rs534291510, ClinGen allele CA6198070.